The following is an entry in ClinVar:

NM_019066.5(MAGEL2):c.1344_1385del (p.442PVIRQAP[1])

Gene: MAGEL2 (MAGE family member L2; minus strand). Cytogenetic location: 15q11.2.
Variant type: Deletion.
Coding change: c.1344_1385del on transcript NM_019066.5 (MANE Select); coding-DNA positions 1344 to 1385, 42 bases deleted.
Protein change: p.442PVIRQAP[1].
Molecular consequence: inframe deletion.
Genome position (GRCh38, 1-based): chr15:23,646,358-23,646,399, 42 bases deleted; deleting any 42 consecutive bases within chr15:23,646,358-23,646,416 gives the same sequence; the c. name uses the placement nearest the transcript's 3' end. GRCh37 (hg19): chr15:23,891,522-23,891,563.
Identifiers: ClinVar variation 2637295 (VCV002637295.5), dbSNP rs794726941, ClinGen allele CA617084264.

ClinVar aggregate classification (germline): Conflicting classifications of pathogenicity. Review status: criteria provided, conflicting classifications (1 of 4 stars). 2 submissions from 2 submitters: Uncertain significance (1); Likely benign (1). Last evaluated 2025-07-22.

Conditions:
MAGEL2-related disorder. Also called: MAGEL2-related condition.

Submissions (2):

PreventionGenetics, part of Exact Sciences
Classification: Uncertain significance for MAGEL2-related condition. Last evaluated: 2025-07-22. Review status: criteria provided, single submitter. Criteria: ACMG Guidelines, 2015. Collection method: clinical testing. Allele origin: germline.
Comment: The MAGEL2 c.1344_1385del42 variant is predicted to result in an in-frame deletion (p.Pro449_Pro462del). To our knowledge, this variant has not been reported in the literature. This variant is reported in 0.0069% of alleles in individuals of European (non-Finnish) descent in gnomAD. At this time, the clinical significance of this variant is uncertain due to the absence of conclusive functional and genetic evidence.

Labcorp Genetics (formerly Invitae), Labcorp
Classification: Likely benign. Last evaluated: 2024-09-06. Review status: criteria provided, single submitter. Criteria: Invitae Variant Classification Sherloc (09022015). Collection method: clinical testing. Allele origin: germline.